The following is an entry in ClinVar:

NM_152703.5(SAMD9L):c.1612A>T (p.Met538Leu)

Gene: SAMD9L (sterile alpha motif domain containing 9 like; minus strand). Cytogenetic location: 7q21.2.
Variant type: single nucleotide variant.
Coding change: c.1612A>T on transcript NM_152703.5 (MANE Select); coding-DNA position 1612, A replaced by T.
Protein change: p.Met538Leu; replaces methionine 538 with leucine.
Molecular consequence: missense variant.
Genome position (GRCh38, 1-based): chr7:93,134,360, T>A on the plus strand (A>T on the coding strand, the complement: SAMD9L is on the minus strand). VCF-style: chr7-93134360-T-A. GRCh37 (hg19) VCF-style: chr7-92763673-T-A.
Other names: c.1612A>T, p.Met538Leu (NM_001303496.3, NM_001303497.3, NM_001303498.3 and 5 more transcripts); short protein forms M538L.
Identifiers: ClinVar variation 3792218 (VCV003792218.1).
Genomic context (GRCh38, chr7:93,134,360, plus strand): 5'-CTCCTGGGCTTTCCACTGAAGAGAGTAATAGAAACACTACCAAAAATTTTCCTCTTGTCA[T>A]TATATTTTCATCTGTGAGAAATAAAATTAGTTTCCTGACTTCTGAAGCTCTTTCTCTCTG-3'
Protein context (NP_689916.2, residues 528-548): LILFLTDENI[Met538Leu]TRGKFLVVFL

ClinVar aggregate classification (germline): Uncertain significance (1 of 4 stars; one submission).

Conditions:
Inborn genetic diseases. Identifiers: MedGen C0950123, MeSH D030342.

Submission:

Ambry Genetics
Classification: Uncertain significance for Inborn genetic diseases. Last evaluated: 2024-12-16. Review status: criteria provided, single submitter. Criteria: Ambry Variant Classification Scheme 2023. Collection method: clinical testing. Allele origin: germline.
Comment: The p.M538L variant (also known as c.1612A>T), located in coding exon 1 of the SAMD9L gene, results from an A to T substitution at nucleotide position 1612. The methionine at codon 538 is replaced by leucine, an amino acid with highly similar properties. This amino acid position is conserved. In addition, this alteration is predicted to be tolerated by in silico analysis. Based on the available evidence, the clinical significance of this variant remains unclear.